The following is an entry in ClinVar:

ClinVar aggregate classification (germline): Pathogenic. Review status: criteria provided, multiple submitters, no conflicts (2 of 4 stars). 2 submissions from 2 submitters: Pathogenic (2). Last evaluated 2023-05-02.

Conditions:
Microcephaly with or without chorioretinopathy, lymphedema, or impaired intellectual development. Also called: MICROCEPHALY AND CHORIORETINOPATHY WITH OR WITHOUT MENTAL RETARDATION, AUTOSOMAL DOMINANT; Microcephaly with or without chorioretinopathy, lymphedema, or mental retardation; Microcephaly lymphedema chorioretinal dysplasia; Microcephaly with or without chorioretinopathy, lymphedema, or intellectual disability; MICROCEPHALY, LYMPHEDEMA, CHORIORETINAL DYSPLASIA SYNDROME. Identifiers: Orphanet 2526, MedGen C1835265, MONDO:0007918, OMIM 152950.

Submissions (2):

Broad Center for Mendelian Genomics, Broad Institute of MIT and Harvard
Classification: Pathogenic for Microcephaly with or without chorioretinopathy, lymphedema, or impaired intellectual development. Last evaluated: 2023-05-02. Review status: criteria provided, single submitter. Criteria: ACMG Guidelines, 2015. Collection method: curation. Allele origin: germline. Inheritance: Autosomal dominant inheritance.
Comment: Trio exome analysis showed this variant to be de novo. This variant was previously found to be de novo in one individual with confirmed paternity and maternity (PMID: 30968598). This variant has also been reported in ClinVar (Variation ID: 392999) and has been interpreted as pathogenic by GeneDx. This variant was absent from large population studies. This variant is located in the 5' splice region. Computational tools predict a splicing impact, though this information is not predictive enough to determine pathogenicity. Heterozygous loss of function of the KIF11 gene is an established disease mechanism in autosomal dominant microcephaly with or without chorioretinopathy, lymphedema, or intellectual disability. In summary, this variant meets criteria to be classified as pathogenic for autosomal dominant microcephaly with or without chorioretinopathy, lymphedema, or intellectual disability. ACMG/AMP Criteria applied: PVS1, PS2, PM2_Supporting (Richards 2015).

GeneDx
Classification: Pathogenic. Last evaluated: 2017-01-13. Review status: criteria provided, single submitter. Criteria: GeneDx Variant Classification (06012015). Collection method: clinical testing. Allele origin: germline. Affected: yes.
Comment: The c.77+1G>A variant in the KIF11 gene has not been reported previously as a pathogenic variant nor as a benign variant, to our knowledge. This splice site variant destroys the canonical splice donor site in intron 1, resulting in disruption of the translation initiator Methionine codon in the adjacent exon 1. It is predicted to cause abnormal gene splicing, either completely preventing all protein translation, or producing an abnormal protein using an alternate Methionine. The c.77+1G>A variant was not observed in approximately 6500 individuals of European and African American ancestry in the NHLBI Exome Sequencing Project, indicating it is not a common benign variant in these populations. We interpret c.77+1G>A as a pathogenic variant.

NM_004523.4(KIF11):c.77+1G>A

Gene: KIF11 (kinesin family member 11; plus strand). Cytogenetic location: 10q23.33.
Variant type: single nucleotide variant.
Coding change: c.77+1G>A on transcript NM_004523.4 (MANE Select); the canonical splice donor site of the intron after coding-DNA position 77, G replaced by A.
Molecular consequence: splice donor variant.
Genome position (GRCh38, 1-based): chr10:92,593,453, G>A. VCF-style: chr10-92593453-G-A. GRCh37 (hg19) VCF-style: chr10-94353210-G-A.
Identifiers: ClinVar variation 392999 (VCV000392999.3), dbSNP rs1057524736, ClinGen allele CA16605735.
Genomic context (GRCh38, chr10:92,593,453, plus strand): 5'-TTCGTCTGCGAAGAAGAAAGAGGAGAAGGGGAAGAACATCCAGGTGGTGGTGAGATGCAG[G>A]TAGGGAGAGGGCTGACAGGATTCCGAGCGCTGCGGCTTCGCTGCTGGGCCCCCTACTGCG-3'